The following is an entry in ClinVar:

ClinVar aggregate classification (germline): Conflicting classifications of pathogenicity. Review status: criteria provided, conflicting classifications (1 of 4 stars). 2 submissions from 2 submitters: Uncertain significance (1); Benign (1). Last evaluated 2025-11-17.

Conditions:
Retinal dystrophy. Also called: Inherited retinal dystrophy. Identifiers: Orphanet 71862, MedGen C0854723, MeSH D058499, MONDO:0019118, HP:0000556.

Submissions (2):

Labcorp Genetics (formerly Invitae), Labcorp
Classification: Uncertain significance. Last evaluated: 2025-11-17. Review status: criteria provided, single submitter. Criteria: Invitae Variant Classification Sherloc (09022015). Collection method: clinical testing. Allele origin: germline.
Comment: This variant, c.1071_1073del, results in the deletion of 1 amino acid(s) of the FSCN2 protein (p.Lys357del), but otherwise preserves the integrity of the reading frame. This variant is present in population databases (rs760309853, gnomAD 0.05%). This variant has not been reported in the literature in individuals affected with FSCN2-related conditions. ClinVar contains an entry for this variant (Variation ID: 844550). Experimental studies and prediction algorithms are not available or were not evaluated, and the functional significance of this variant is currently unknown. In summary, the available evidence is currently insufficient to determine the role of this variant in disease. Therefore, it has been classified as a Variant of Uncertain Significance.

Dept Of Ophthalmology, Nagoya University
Classification: Benign for Retinal dystrophy. Last evaluated: 2023-10-01. Review status: criteria provided, single submitter. Criteria: Submitter's publication. Collection method: research. Allele origin: germline. Affected: yes.

NM_012418.4(FSCN2):c.1065GAA[2] (p.Lys357del)

Gene: FSCN2 (fascin actin-bundling protein 2, retinal; plus strand). Cytogenetic location: 17q25.3.
Variant type: Microsatellite.
Coding change: c.1065GAA[2] on transcript NM_012418.4 (MANE Select); two copies in a row of the 3-base unit GAA starting at c.1065; the reference has three copies in a row; one copy, 3 bases deleted.
Protein change: p.Lys357del; deletes lysine 357.
Molecular consequence: inframe deletion.
Genome position (GRCh38, 1-based): chr17:81,536,233-81,536,235, GAA deleted; deleting any 3 consecutive bases within chr17:81,536,227-81,536,235 gives the same sequence; the position shown is the placement nearest the transcript's 3' end. VCF-style (leftmost placement, unchanged base first): chr17-81536226-TGAA-T. GRCh37 (hg19) VCF-style: chr17-79503252-TGAA-T.
Other names: c.1065GAA[2], p.Lys357del (NM_001077182.3); c.1065_1067del (NM_001077182.3); short protein forms K357del.
Identifiers: ClinVar variation 844550 (VCV000844550.12), dbSNP rs760309853, ClinGen allele CA8836946.